The following is an entry in ClinVar:

ClinVar aggregate classification (germline): Pathogenic (1 of 4 stars; one submission).

Submission:

Labcorp Genetics (formerly Invitae), Labcorp
Classification: Pathogenic. Last evaluated: 2024-06-04. Review status: criteria provided, single submitter. Criteria: Invitae Variant Classification Sherloc (09022015). Collection method: clinical testing. Allele origin: germline.
Comment: This sequence change creates a premature translational stop signal (p.Gly1237Glufs*2) in the FLNB gene. It is expected to result in an absent or disrupted protein product. Loss-of-function variants in FLNB are known to be pathogenic (PMID: 14991055). This variant is not present in population databases (gnomAD no frequency). This variant has not been reported in the literature in individuals affected with FLNB-related conditions. For these reasons, this variant has been classified as Pathogenic.

Literature cited by the submitters: PubMed 14991055.

NM_001457.4(FLNB):c.3710del (p.Gly1237fs)

Gene: FLNB (filamin B; plus strand). Cytogenetic location: 3p14.3.
Variant type: Deletion.
Coding change: c.3710del on transcript NM_001457.4 (MANE Select); coding-DNA position 3710, one base deleted (G; older notation c.3710delG).
Protein change: p.Gly1237fs; shifts the reading frame from glycine 1237.
Molecular consequence: frameshift variant.
Genome position (GRCh38, 1-based): chr3:58,123,676, G deleted; the last of 2 consecutive G bases (chr3:58,123,675-58,123,676); deleting either gives the same sequence. VCF-style (leftmost placement, unchanged base first): chr3-58123674-AG-A. GRCh37 (hg19) VCF-style: chr3-58109401-AG-A.
Other names: c.3710del, p.Gly1237fs (NM_001164317.2, NM_001164318.2, NM_001164319.2); short protein forms G1237fs.
Identifiers: ClinVar variation 3655568 (VCV003655568.2).